The following is an entry in ClinVar:

ClinVar aggregate classification (germline): Uncertain significance (1 of 4 stars; one submission).

Conditions:
Ehlers-Danlos syndrome, classic type, 1 (EDSCL1). Also called: EHLERS-DANLOS SYNDROME, GRAVIS TYPE; EHLERS-DANLOS SYNDROME, SEVERE CLASSIC TYPE; Ehlers-Danlos syndrome, type 1; Ehlers-Danlos Syndrome, Classic Type, COL5A1-Related; EDS I. Identifiers: MedGen C0268335, MONDO:0019567, OMIM 130000.

Submission:

Labcorp Genetics (formerly Invitae), Labcorp
Classification: Uncertain significance for Ehlers-Danlos syndrome, classic type, 1. Last evaluated: 2026-01-16. Review status: criteria provided, single submitter. Criteria: Invitae Variant Classification Sherloc (09022015). Collection method: clinical testing. Allele origin: germline.
Comment: This sequence change replaces glycine, which is neutral and non-polar, with glutamic acid, which is acidic and polar, at codon 205 of the COL5A2 protein (p.Gly205Glu). This variant is not present in population databases (gnomAD no frequency). This variant has not been reported in the literature in individuals affected with COL5A2-related conditions. Invitae Evidence Modeling of protein sequence and biophysical properties (such as structural, functional, and spatial information, amino acid conservation, physicochemical variation, residue mobility, and thermodynamic stability) indicates that this missense variant is not expected to disrupt COL5A2 protein function with a negative predictive value of 95%. In summary, the available evidence is currently insufficient to determine the role of this variant in disease. Therefore, it has been classified as a Variant of Uncertain Significance.

NM_000393.5(COL5A2):c.614G>A (p.Gly205Glu)

Gene: COL5A2 (collagen type V alpha 2 chain; minus strand). Cytogenetic location: 2q32.2.
Variant type: single nucleotide variant.
Coding change: c.614G>A on transcript NM_000393.5 (MANE Select); coding-DNA position 614, G replaced by A.
Protein change: p.Gly205Glu; replaces glycine 205 with glutamic acid.
Molecular consequence: missense variant.
Genome position (GRCh38, 1-based): chr2:189,088,726, C>T on the plus strand (G>A on the coding strand, the complement: COL5A2 is on the minus strand). VCF-style: chr2-189088726-C-T. GRCh37 (hg19) VCF-style: chr2-189953452-C-T.
Other names: short protein forms G205E.
Identifiers: ClinVar variation 4769230 (VCV004769230.1).